The following is an entry in ClinVar:

ClinVar aggregate classification (germline): Uncertain significance (1 of 4 stars; one submission).

Conditions:
Developmental and epileptic encephalopathy, 36 (DEE36). Also called: Congenital disorder of glycosylation, type Is; ALG13-CDG; Epileptic encephalopathy, early infantile, 36. Identifiers: Orphanet 324422, MedGen C4317295, MONDO:0010472, OMIM 300884.

gnomAD v4.1: 1 of 1,209,236 alleles (0.000083%); highest among the groups gnomAD compares: Non-Finnish European, 0.00011%; no homozygotes.

Submission:

Labcorp Genetics (formerly Invitae), Labcorp
Classification: Uncertain significance for Developmental and epileptic encephalopathy, 36. Last evaluated: 2024-02-03. Review status: criteria provided, single submitter. Criteria: Invitae Variant Classification Sherloc (09022015). Collection method: clinical testing. Allele origin: germline.
Comment: This sequence change replaces glutamine, which is neutral and polar, with glutamic acid, which is acidic and polar, at codon 1009 of the ALG13 protein (p.Gln1009Glu). This variant is not present in population databases (gnomAD no frequency). This variant has not been reported in the literature in individuals affected with ALG13-related conditions. An algorithm developed to predict the effect of missense changes on protein structure and function (PolyPhen-2) suggests that this variant is likely to be tolerated. In summary, the available evidence is currently insufficient to determine the role of this variant in disease. Therefore, it has been classified as a Variant of Uncertain Significance.

NM_001099922.3(ALG13):c.3025C>G (p.Gln1009Glu)

Gene: ALG13 (ALG13 UDP-N-acetylglucosaminyltransferase subunit; plus strand). Cytogenetic location: Xq23.
Variant type: single nucleotide variant.
Coding change: c.3025C>G on transcript NM_001099922.3 (MANE Select); coding-DNA position 3025, C replaced by G.
Protein change: p.Gln1009Glu; replaces glutamine 1009 with glutamic acid.
Molecular consequence: missense variant. On other transcripts: non-coding transcript variant (1).
Genome position (GRCh38, 1-based): chrX:111,757,639, C>G. VCF-style: chrX-111757639-C-G. GRCh37 (hg19) VCF-style: chrX-111000867-C-G.
Other names: c.2788C>G, p.Gln930Glu (NM_001324292.2); c.2302C>G, p.Gln768Glu (NM_001324293.1); c.2476C>G, p.Gln826Glu (NM_001257230.2, NM_001257234.2, NM_001257237.2); c.2791C>G, p.Gln931Glu (NM_001257231.2); short protein forms Q1009E, Q768E, Q826E, Q930E, Q931E.
Identifiers: ClinVar variation 3623984 (VCV003623984.2).